The following is an entry in ClinVar:

ClinVar aggregate classification (germline): Uncertain significance (1 of 4 stars; one submission).

Conditions:
Short QT syndrome type 3. Identifiers: Orphanet 51083, MedGen C1865018, MONDO:0012314, OMIM 609622.
Andersen Tawil syndrome (LQT7). Also called: ANDERSEN CARDIODYSRHYTHMIC PERIODIC PARALYSIS; LONG QT SYNDROME 7; PERIODIC PARALYSIS, POTASSIUM-SENSITIVE CARDIODYSRHYTHMIC TYPE; Potassium-sensitive periodic paralysis, ventricular ectopy, and dysmorphic features; Andersen Syndrome. Identifiers: Orphanet 37553, MedGen C1563715, MONDO:0008222, OMIM 170390.

Submission:

Labcorp Genetics (formerly Invitae), Labcorp
Classification: Uncertain significance for Short QT syndrome type 3; Andersen Tawil syndrome. Last evaluated: 2022-02-21. Review status: criteria provided, single submitter. Criteria: Invitae Variant Classification Sherloc (09022015). Collection method: clinical testing. Allele origin: germline.
Comment: In summary, the available evidence is currently insufficient to determine the role of this variant in disease. Therefore, it has been classified as a Variant of Uncertain Significance. Algorithms developed to predict the effect of missense changes on protein structure and function (SIFT, PolyPhen-2, Align-GVGD) all suggest that this variant is likely to be disruptive. This variant has not been reported in the literature in individuals affected with KCNJ2-related conditions. This variant is not present in population databases (gnomAD no frequency). This sequence change replaces cysteine, which is neutral and slightly polar, with glycine, which is neutral and non-polar, at codon 54 of the KCNJ2 protein (p.Cys54Gly).

NM_000891.3(KCNJ2):c.160T>G (p.Cys54Gly)

Gene: KCNJ2 (potassium inwardly rectifying channel subfamily J member 2; plus strand). Cytogenetic location: 17q24.3.
Variant type: single nucleotide variant.
Coding change: c.160T>G on transcript NM_000891.3 (MANE Select); coding-DNA position 160, T replaced by G.
Protein change: p.Cys54Gly; replaces cysteine 54 with glycine.
Molecular consequence: missense variant.
Genome position (GRCh38, 1-based): chr17:70,175,199, T>G. VCF-style: chr17-70175199-T-G. GRCh37 (hg19) VCF-style: chr17-68171340-T-G.
Other names: short protein forms C54G.
Identifiers: ClinVar variation 1351074 (VCV001351074.6), dbSNP rs2144376507, ClinGen allele CA400860001.